The following is an entry in ClinVar:

ClinVar aggregate classification (germline): Uncertain significance (1 of 4 stars; one submission).

Allele frequency attached by ClinVar (database versions not stated): gnomAD exomes below 0.00001; gnomAD 0.00001; TOPMed 0.00001.
gnomAD v4.1: 3 of 1,551,080 alleles (0.00019%); highest among the groups gnomAD compares: Non-Finnish European, 0.00026%; no homozygotes.

Submission:

Labcorp Genetics (formerly Invitae), Labcorp
Classification: Uncertain significance. Last evaluated: 2021-07-27. Review status: criteria provided, single submitter. Criteria: Invitae Variant Classification Sherloc (09022015). Collection method: clinical testing. Allele origin: germline.
Comment: Algorithms developed to predict the effect of missense changes on protein structure and function are either unavailable or do not agree on the potential impact of this missense change (SIFT: "Not Available"; PolyPhen-2: "Probably Damaging"; Align-GVGD: "Not Available"). This variant has not been reported in the literature in individuals with UNC80-related conditions. This variant is not present in population databases (ExAC no frequency). This sequence change replaces glycine with arginine at codon 1136 of the UNC80 protein (p.Gly1136Arg). The glycine residue is moderately conserved and there is a moderate physicochemical difference between glycine and arginine. In summary, the available evidence is currently insufficient to determine the role of this variant in disease. Therefore, it has been classified as a Variant of Uncertain Significance.

NM_001371986.1(UNC80):c.3400G>A (p.Gly1134Arg)

Gene: UNC80 (unc-80 homolog, NALCN channel complex subunit; plus strand). Cytogenetic location: 2q34.
Variant type: single nucleotide variant.
Coding change: c.3400G>A on transcript NM_001371986.1 (MANE Select); coding-DNA position 3400, G replaced by A.
Protein change: p.Gly1134Arg; replaces glycine 1134 with arginine.
Molecular consequence: missense variant.
Genome position (GRCh38, 1-based): chr2:209,842,392, G>A. VCF-style: chr2-209842392-G-A. GRCh37 (hg19) VCF-style: chr2-210707116-G-A.
Other names: c.3406G>A, p.Gly1136Arg (NM_032504.2); c.3391G>A, p.Gly1131Arg (NM_182587.4); short protein forms G1131R, G1134R, G1136R.
Identifiers: ClinVar variation 1463538 (VCV001463538.6), dbSNP rs1366323709, ClinGen allele CA350732078.